The following is an entry in ClinVar:

ClinVar aggregate classification (germline): Uncertain significance. Review status: criteria provided, multiple submitters, no conflicts (2 of 4 stars). 2 submissions from 2 submitters: Uncertain significance (2). Last evaluated 2024-04-12.

Conditions:
Retinoblastoma (RB1). Also called: RETINOBLASTOMA, SOMATIC. Identifiers: Orphanet 790, MedGen C0035335, MeSH D012175, MONDO:0008380, OMIM 180200, HP:0009919. Disease mechanism: loss of function. Inheritance: Both sporadic and heritable forms are tested..
Hereditary cancer-predisposing syndrome. Also called: Neoplastic Syndromes, Hereditary; Hereditary neoplastic syndrome; Tumor predisposition; Hereditary Cancer Syndrome. Identifiers: Orphanet 140162, MedGen C0027672, MeSH D009386, MONDO:0015356.

Submissions (2):

Ambry Genetics
Classification: Uncertain significance for Hereditary cancer-predisposing syndrome. Last evaluated: 2024-04-12. Review status: criteria provided, single submitter. Criteria: Ambry Variant Classification Scheme 2023. Collection method: clinical testing. Allele origin: germline.
Comment: The p.I388V variant (also known as c.1162A>G), located in coding exon 12 of the RB1 gene, results from an A to G substitution at nucleotide position 1162. The isoleucine at codon 388 is replaced by valine, an amino acid with highly similar properties. This amino acid position is conserved. In addition, this alteration is predicted to be tolerated by in silico analysis. Based on the available evidence, the clinical significance of this variant remains unclear.

Labcorp Genetics (formerly Invitae), Labcorp
Classification: Uncertain significance for Retinoblastoma. Last evaluated: 2023-04-04. Review status: criteria provided, single submitter. Criteria: Invitae Variant Classification Sherloc (09022015). Collection method: clinical testing. Allele origin: germline.
Comment: In summary, the available evidence is currently insufficient to determine the role of this variant in disease. Therefore, it has been classified as a Variant of Uncertain Significance. Advanced modeling of protein sequence and biophysical properties (such as structural, functional, and spatial information, amino acid conservation, physicochemical variation, residue mobility, and thermodynamic stability) performed at Invitae indicates that this missense variant is not expected to disrupt RB1 protein function. ClinVar contains an entry for this variant (Variation ID: 1996131). This variant has not been reported in the literature in individuals affected with RB1-related conditions. This variant is not present in population databases (gnomAD no frequency). This sequence change replaces isoleucine, which is neutral and non-polar, with valine, which is neutral and non-polar, at codon 388 of the RB1 protein (p.Ile388Val).

NM_000321.3(RB1):c.1162A>G (p.Ile388Val)

Gene: RB1 (RB transcriptional corepressor 1; plus strand). Cytogenetic location: 13q14.2.
Variant type: single nucleotide variant.
Coding change: c.1162A>G on transcript NM_000321.3 (MANE Select); coding-DNA position 1162, A replaced by G.
Protein change: p.Ile388Val; replaces isoleucine 388 with valine.
Molecular consequence: missense variant.
Genome position (GRCh38, 1-based): chr13:48,373,439, A>G. VCF-style: chr13-48373439-A-G. GRCh37 (hg19) VCF-style: chr13-48947575-A-G.
Other names: c.1162A>G, p.Ile388Val (NM_001407165.1, NM_001407166.1); short protein forms I388V.
Identifiers: ClinVar variation 1996131 (VCV001996131.5), dbSNP rs2542194936, ClinGen allele CA388161506.